The following is an entry in ClinVar:

ClinVar aggregate classification (germline): Likely benign (1 of 4 stars; one submission).

Conditions:
TP63-related disorder. Also called: TP63-Related Disorders; TP63-related condition. Identifiers: MedGen CN380159.

gnomAD v4.1: 1 of 1,614,196 alleles (0.000062%); highest among the groups gnomAD compares: Non-Finnish European, 0.000085%; no homozygotes.

Submission:

PreventionGenetics, part of Exact Sciences
Classification: Likely benign for TP63-related condition. Last evaluated: 2025-09-09. Review status: criteria provided, single submitter. Criteria: ACMG Guidelines, 2015. Collection method: clinical testing. Allele origin: germline.
Comment: This variant is classified as likely benign based on ACMG/AMP sequence variant interpretation guidelines (Richards et al. 2015 PMID: 25741868, with internal and published modifications).

NM_003722.5(TP63):c.426C>T (p.Ser142=)

Gene: TP63 (tumor protein p63; plus strand). Cytogenetic location: 3q28.
Variant type: single nucleotide variant.
Coding change: c.426C>T on transcript NM_003722.5 (MANE Select); coding-DNA position 426, C replaced by T.
Protein change: p.Ser142=; no amino-acid change (serine 142 retained).
Molecular consequence: synonymous variant. On other transcripts: intron variant (2).
Genome position (GRCh38, 1-based): chr3:189,808,373, C>T. VCF-style: chr3-189808373-C-T. GRCh37 (hg19) VCF-style: chr3-189526162-C-T.
Other names: c.426C>T, p.Ser142= (NM_001114978.2, NM_001114979.2, NM_001329144.2 and 1 more transcripts); c.144C>T, p.Ser48= (NM_001114980.2, NM_001114981.2, NM_001114982.2 and 2 more transcripts); c.420C>T, p.Ser140= (NM_001329964.2); c.42+18531C>T (NM_001329146.2, NM_001329150.2).
Identifiers: ClinVar variation 4995574 (VCV004995574.1).
Genomic context (GRCh38, chr3:189,808,373, plus strand): 5'-GCAGATTCAGAACGGCTCCTCGTCCACCAGTCCCTATAACACAGACCACGCGCAGAACAG[C>T]GTCACGGCGCCCTCGCCCTACGCACAGCCCAGCTCCACCTTCGATGCTCTCTCTCCATCA-3'
Protein context (NP_003713.3, residues 132-152): SPYNTDHAQN[Ser142=]VTAPSPYAQP